The following is an entry in ClinVar:

NC_000005.9:g.(?_112036100)_(112045850_?)del

Gene: APC (APC regulator of Wnt signaling pathway; plus strand). Cytogenetic location: 5q22.2.
Variant type: Deletion.
Identifiers: ClinVar variation 1878320 (VCV001878320.1).

ClinVar aggregate classification (germline): Pathogenic (1 of 4 stars; one submission).

Conditions:
Familial multiple polyposis syndrome (FAP). Also called: Familial adenomatous polyposis; Familial intestinal polyposis; Classic familial adenomatous polyposis; Familial Adenomatous Polyposis (FAP); Familial polyposis. Identifiers: Orphanet 733, MedGen C0032580, MONDO:0021055. Disease mechanism: loss of function.

Submission:

Women's Health and Genetics/Laboratory Corporation of America, LabCorp
Classification: Pathogenic for Familial multiple polyposis syndrome. Last evaluated: 2022-12-16. Review status: criteria provided, single submitter. Criteria: LabCorp Variant Classification Summary - May 2015. Collection method: clinical testing. Allele origin: germline.
Comment: Variant summary: The variant identified by MLPA or other technology involves the deletion of promoter 1B upstream of the transcription initiation site of the APC gene. A presumed nomenclature of c.(?_-37541)_(-27791_?)del has been designated for the purposes of this classification. The variant was absent in 21694 control chromosomes (gnomAD, Structural Variants dataset). Deletion of APC promoter 1B has been reported in the literature in multiple individuals affected with Familial Adenomatous Polyposis and has been shown to segregate with disease within families. This deletion was accompanied by silencing of one of the APC alleles in blood-derived RNA of affected individuals (Lin_2015, Marabelli_2017). These data indicate that the variant is very likely to be associated with disease. A ClinVar submitter (evaluation after 2014) cites the variant as likely pathogenic. Based on the evidence outlined above, the variant was classified as pathogenic.

Literature cited by the submitters: PubMed 25941542; PubMed 28791770.